The following is an entry in ClinVar:

ClinVar aggregate classification (germline): Pathogenic (1 of 4 stars; one submission).

Conditions:
Inborn genetic diseases. Identifiers: MedGen C0950123, MeSH D030342.

Submission:

Ambry Genetics
Classification: Pathogenic for Inborn genetic diseases. Last evaluated: 2020-11-24. Review status: criteria provided, single submitter. Criteria: Ambry Variant Classification Scheme 2023. Collection method: clinical testing. Allele origin: germline.
Comment: The c.1315_1316delCA (p.Q439Dfs*16) alteration, located in exon 8 (coding exon 8) of the CNTNAP2 gene, consists of a deletion of 2 nucleotides from position 1315 to 1316, causing a translational frameshift with a predicted alternate stop codon after 16 amino acids. This alteration is expected to result in loss of function by premature protein truncation or nonsense-mediated mRNA decay. Based on the available evidence, this alteration is classified as pathogenic.

NM_014141.6(CNTNAP2):c.1315_1316del (p.Gln439fs)

Gene: CNTNAP2 (contactin associated protein 2; plus strand). Cytogenetic location: 7q35.
Variant type: Microsatellite.
Coding change: c.1315_1316del on transcript NM_014141.6 (MANE Select); coding-DNA positions 1315 to 1316, 2 bases deleted (CA; older notation c.1315_1316delCA).
Protein change: p.Gln439fs; shifts the reading frame from glutamine 439.
Molecular consequence: frameshift variant.
Genome position (GRCh38, 1-based): chr7:147,132,476-147,132,477, CA deleted; deleting any 2 consecutive bases within chr7:147,132,472-147,132,477 gives the same sequence; the c. name uses the placement nearest the transcript's 3' end. VCF-style (leftmost placement, unchanged base first): chr7-147132471-TCA-T. GRCh37 (hg19) VCF-style: chr7-146829563-TCA-T.
Other names: short protein forms Q439fs.
Identifiers: ClinVar variation 2228266 (VCV002228266.2), dbSNP rs1801396588, ClinGen allele CA1108407571.
Genomic context (GRCh38, chr7:147,132,471, plus strand): 5'-ATAATTTGGGCAATGTGGAGATTGACCTCACTGAAAGCAAAGTGGGTGTTCACATCAACA[TCA>T]CACAGACCAAGATGAGCCAAATCGATATTTCCTCAGGTCAGTGAAACCTATTTGACATTT-3'